The following is an entry in ClinVar:

NM_006663.4(PPP1R13L):c.1515C>T (p.Pro505=)

Gene: PPP1R13L (protein phosphatase 1 regulatory subunit 13 like; minus strand). Cytogenetic location: 19q13.32.
Variant type: single nucleotide variant.
Coding change: c.1515C>T on transcript NM_006663.4 (MANE Select); coding-DNA position 1515, C replaced by T.
Protein change: p.Pro505=; no amino-acid change (proline 505 retained).
Molecular consequence: synonymous variant.
Genome position (GRCh38, 1-based): chr19:45,392,180, G>A on the plus strand (C>T on the coding strand, the complement: PPP1R13L is on the minus strand). VCF-style: chr19-45392180-G-A. GRCh37 (hg19) VCF-style: chr19-45895438-G-A.
Other names: c.1515C>T, p.Pro505= (NM_001142502.2).
Identifiers: ClinVar variation 3217464 (VCV003217464.20), dbSNP rs145072585, ClinGen allele CA9514345.

ClinVar aggregate classification (germline): Likely benign. Review status: criteria provided, multiple submitters, no conflicts (2 of 4 stars). 2 submissions from 2 submitters: Likely benign (2). Last evaluated 2024-05-01.

Conditions:
Inborn genetic diseases. Identifiers: MedGen C0950123, MeSH D030342.

Allele frequency attached by ClinVar (database versions not stated): gnomAD exomes 0.00001; ExAC 0.00007; ESP Exome Variant Server 0.00008; gnomAD 0.00009; TOPMed 0.00009; 1000 Genomes Project 30x 0.00016; 1000 Genomes Project 0.00020.
gnomAD v4.1: 31 of 1,608,750 alleles (0.0019%); highest among the groups gnomAD compares: African/African-American, 0.019%; no homozygotes.

Submissions (2):

CeGaT Center for Human Genetics Tuebingen
Classification: Likely benign. Last evaluated: 2024-05-01. Review status: criteria provided, single submitter. Criteria: CeGaT Center For Human Genetics Tuebingen Variant Classification Criteria Version 2. Collection method: clinical testing. Allele origin: germline. Affected: yes. Observed: 1 variant allele.
Comment: PPP1R13L: BP4, BP7

Ambry Genetics
Classification: Likely benign for Inborn genetic diseases. Last evaluated: 2024-01-16. Review status: criteria provided, single submitter. Criteria: Ambry Variant Classification Scheme 2023. Collection method: clinical testing. Allele origin: germline.